The following is an entry in ClinVar:

NM_001372044.2(SHANK3):c.651C>T (p.Asn217=)

Gene: SHANK3 (SH3 and multiple ankyrin repeat domains 3; plus strand). Cytogenetic location: 22q13.33.
Variant type: single nucleotide variant.
Coding change: c.651C>T on transcript NM_001372044.2 (MANE Select); coding-DNA position 651, C replaced by T.
Protein change: p.Asn217=; no amino-acid change (asparagine 217 retained).
Molecular consequence: synonymous variant.
Genome position (GRCh38, 1-based): chr22:50,678,671, C>T. VCF-style: chr22-50678671-C-T. GRCh37 (hg19) VCF-style: chr22-51117099-C-T.
Other names: NM_001080420.1:c.426C>T; c.426C>T (NM_033517.1).
Identifiers: ClinVar variation 1298901 (VCV001298901.42), dbSNP rs751998473, ClinGen allele CA10325219.

ClinVar aggregate classification (germline): Likely benign. Review status: criteria provided, multiple submitters, no conflicts (2 of 4 stars). 4 submissions from 4 submitters: Likely benign (3). 1 of the submissions does not count toward it. Last evaluated 2024-07-01.

Conditions:
SHANK3-related disorder. Also called: SHANK3-related condition.
Inborn genetic diseases. Identifiers: MedGen C0950123, MeSH D030342.

Allele frequency attached by ClinVar (database versions not stated): gnomAD 0.00005; gnomAD exomes 0.00006 and 0.00012; TOPMed 0.00008; ExAC 0.00019.

Submissions (4):

CeGaT Center for Human Genetics Tuebingen
Classification: Likely benign. Last evaluated: 2024-07-01. Review status: criteria provided, single submitter. Criteria: CeGaT Center For Human Genetics Tuebingen Variant Classification Criteria Version 2. Collection method: clinical testing. Allele origin: germline. Affected: yes. Observed: 2 variant alleles.
Comment: SHANK3: BP4, BP7

Ambry Genetics
Classification: Likely benign for Inborn genetic diseases. Last evaluated: 2019-10-23. Review status: criteria provided, single submitter. Criteria: Ambry Variant Classification Scheme 2023. Collection method: clinical testing. Allele origin: germline.

Genetic Services Laboratory, University of Chicago
Classification: Likely benign. Last evaluated: 2017-10-25. Review status: criteria provided, single submitter. Criteria: ACMG Guidelines, 2015. Collection method: clinical testing. Allele origin: germline. Affected: no.

PreventionGenetics, part of Exact Sciences
Classification: Likely benign for SHANK3-related condition. Last evaluated: 2019-12-23. Review status: no assertion criteria provided. Collection method: clinical testing. Allele origin: germline. Not counted in ClinVar's aggregate classification.
Comment: This variant is classified as likely benign based on ACMG/AMP sequence variant interpretation guidelines (Richards et al. 2015 PMID: 25741868, with internal and published modifications).